The following is an entry in ClinVar:

ClinVar aggregate classification (germline): Uncertain significance. Review status: criteria provided, multiple submitters, no conflicts (2 of 4 stars). 2 submissions from 2 submitters: Uncertain significance (2). Last evaluated 2024-10-30.

Allele frequency attached by ClinVar (database versions not stated): gnomAD 0.00001; TOPMed 0.00002; gnomAD exomes 0.00003; ESP Exome Variant Server 0.00017.

Submissions (2):

Labcorp Genetics (formerly Invitae), Labcorp
Classification: Uncertain significance. Last evaluated: 2024-10-30. Review status: criteria provided, single submitter. Criteria: Invitae Variant Classification Sherloc (09022015). Collection method: clinical testing. Allele origin: germline.
Comment: This sequence change creates a premature translational stop signal (p.Met709Ilefs*18) in the ANKRD26 gene. It is expected to result in an absent or disrupted protein product. However, the current clinical and genetic evidence is not sufficient to establish whether loss-of-function variants in ANKRD26 cause disease. This variant is present in population databases (no rsID available, gnomAD 0.007%). This variant has not been reported in the literature in individuals affected with ANKRD26-related conditions. ClinVar contains an entry for this variant (Variation ID: 1802031). In summary, the available evidence is currently insufficient to determine the role of this variant in disease. Therefore, it has been classified as a Variant of Uncertain Significance.

GeneDx
Classification: Uncertain significance. Last evaluated: 2022-05-31. Review status: criteria provided, single submitter. Criteria: GeneDx Variant Classification Process June 2021. Collection method: clinical testing. Allele origin: germline. Affected: yes.
Comment: Not observed at significant frequency in large population cohorts (gnomAD); Has not been previously published as pathogenic or benign to our knowledge

NM_014915.3(ANKRD26):c.2127del (p.Met709fs)

Gene: ANKRD26 (ankyrin repeat domain 26; minus strand). Cytogenetic location: 10p12.1.
Variant type: Deletion.
Coding change: c.2127del on transcript NM_014915.3 (MANE Select); coding-DNA position 2127, one base deleted (G; older notation c.2127delG).
Protein change: p.Met709fs; shifts the reading frame from methionine 709.
Molecular consequence: frameshift variant.
Genome position (GRCh38, 1-based): chr10:27,043,460, C deleted on the plus strand (G on the coding strand, the reverse complement: ANKRD26 is on the minus strand). VCF-style (leftmost placement, unchanged base first): chr10-27043459-AC-A. GRCh37 (hg19) VCF-style: chr10-27332388-AC-A.
Other names: c.2124del, p.Met708fs (NM_001256053.2); c.2127delG, p.Met709Ilefs (NM_014915.2); short protein forms M708fs, M709fs.
Identifiers: ClinVar variation 1802031 (VCV001802031.3), dbSNP rs867085457, ClinGen allele CA204452933.